The following is an entry in ClinVar:

NM_001135649.3(FOXI3):c.194C>T (p.Pro65Leu)

Gene: FOXI3 (forkhead box I3; minus strand). Cytogenetic location: 2p11.2.
Variant type: single nucleotide variant.
Coding change: c.194C>T on transcript NM_001135649.3 (MANE Select); coding-DNA position 194, C replaced by T.
Protein change: p.Pro65Leu; replaces proline 65 with leucine.
Molecular consequence: missense variant.
Genome position (GRCh38, 1-based): chr2:88,452,342, G>A on the plus strand (C>T on the coding strand, the complement: FOXI3 is on the minus strand). VCF-style: chr2-88452342-G-A. GRCh37 (hg19) VCF-style: chr2-88751860-G-A.
Other names: short protein forms P65L.
Identifiers: ClinVar variation 2808612 (VCV002808612.3), dbSNP rs2528917582, ClinGen allele CA347766859.

ClinVar aggregate classification (germline): Uncertain significance (1 of 4 stars; one submission).

Submission:

Labcorp Genetics (formerly Invitae), Labcorp
Classification: Uncertain significance. Last evaluated: 2022-11-05. Review status: criteria provided, single submitter. Criteria: Invitae Variant Classification Sherloc (09022015). Collection method: clinical testing. Allele origin: germline.
Comment: In summary, the available evidence is currently insufficient to determine the role of this variant in disease. Therefore, it has been classified as a Variant of Uncertain Significance. Experimental studies and prediction algorithms are not available or were not evaluated, and the functional significance of this variant is currently unknown. This variant has not been reported in the literature in individuals affected with FOXI3-related conditions. The frequency data for this variant in the population databases is considered unreliable, as metrics indicate insufficient coverage at this position in the gnomAD database. This sequence change replaces proline, which is neutral and non-polar, with leucine, which is neutral and non-polar, at codon 65 of the FOXI3 protein (p.Pro65Leu).